The following is an entry in ClinVar:

NM_152598.4(MARCHF10):c.1275T>C (p.Ile425=)

Genes: MARCHF10 (membrane associated ring-CH-type finger 10; minus strand), MARCHF10-AS1 (MARCHF10 antisense RNA 1; plus strand). Cytogenetic location: 17q23.2.
Variant type: single nucleotide variant.
Coding change: c.1275T>C on transcript NM_152598.4 (MANE Select); coding-DNA position 1275, T replaced by C.
Protein change: p.Ile425=; no amino-acid change (isoleucine 425 retained).
Molecular consequence: synonymous variant. On other transcripts: non-coding transcript variant (1).
Genome position (GRCh38, 1-based): chr17:62,736,593, A>G on the plus strand (T>C on the coding strand, the complement: MARCHF10 is on the minus strand). VCF-style: chr17-62736593-A-G. GRCh37 (hg19) VCF-style: chr17-60813954-A-G.
Other names: c.1275T>C, p.Ile425= (NM_001100875.3); c.1389T>C, p.Ile463= (NM_001288779.2); c.1272T>C, p.Ile424= (NM_001288780.2).
Identifiers: ClinVar variation 3043871 (VCV003043871.2), dbSNP rs8068372, ClinGen allele CA8696821.

ClinVar aggregate classification (germline): Benign (0 of 4 stars; one submission).

Conditions:
MARCHF10-related disorder. Also called: MARCHF10-related condition.

Allele frequency attached by ClinVar (database versions not stated): gnomAD exomes 0.00483; ExAC 0.01432; gnomAD 0.04558; ESP Exome Variant Server 0.05005; TOPMed 0.05061; 1000 Genomes Project 30x 0.05497; 1000 Genomes Project 0.05551.
gnomAD v4.1: 14,275 of 1,614,138 alleles (0.88%); highest among the groups gnomAD compares: African/African-American, 16%; 1,028 homozygotes.

Submission:

PreventionGenetics, part of Exact Sciences
Classification: Benign for MARCHF10-related condition. Last evaluated: 2019-11-14. Review status: no assertion criteria provided. Collection method: clinical testing. Allele origin: germline.
Comment: This variant is classified as benign based on ACMG/AMP sequence variant interpretation guidelines (Richards et al. 2015 PMID: 25741868, with internal and published modifications).